The following is an entry in ClinVar:

ClinVar aggregate classification (germline): Uncertain significance (1 of 4 stars; one submission).

Submission:

GeneDx
Classification: Uncertain significance. Last evaluated: 2024-09-30. Review status: criteria provided, single submitter. Criteria: GeneDx Variant Classification Process June 2021. Collection method: clinical testing. Allele origin: germline. Affected: yes.
Comment: Not observed at significant frequency in large population cohorts (gnomAD); In silico analysis indicates that this missense variant does not alter protein structure/function; Has not been previously published as pathogenic or benign to our knowledge

NM_003482.4(KMT2D):c.12371C>T (p.Ser4124Phe)

Gene: KMT2D (lysine methyltransferase 2D; minus strand). Cytogenetic location: 12q13.12.
Variant type: single nucleotide variant.
Coding change: c.12371C>T on transcript NM_003482.4 (MANE Select); coding-DNA position 12371, C replaced by T.
Protein change: p.Ser4124Phe; replaces serine 4124 with phenylalanine.
Molecular consequence: missense variant.
Genome position (GRCh38, 1-based): chr12:49,032,334, G>A on the plus strand (C>T on the coding strand, the complement: KMT2D is on the minus strand). VCF-style: chr12-49032334-G-A. GRCh37 (hg19) VCF-style: chr12-49426117-G-A.
Other names: short protein forms S4124F.
Identifiers: ClinVar variation 1695542 (VCV001695542.3), dbSNP rs2120430413, ClinGen allele CA384711901.
Genomic context (GRCh38, chr12:49,032,334, plus strand): 5'-TGATCCCCTAAGGAAACAGAGGGCTGAGCCAGCAGGTGGGGCACAGATGAGGCCTCAGAA[G>A]ATGATCCACTGCCTAGCTGCCCATGGCTTCCTCCACCTGCTGTGTGGAGCAGGCTAACTT-3'
Protein context (NP_003473.3, residues 4114-4134): GSHGQLGSGS[Ser4124Phe]SEASSVPHLL